The following is an entry in ClinVar:

NM_022356.4(P3H1):c.2017G>T (p.Ala673Ser)

Gene: P3H1 (prolyl 3-hydroxylase 1; minus strand). Cytogenetic location: 1p34.2.
Variant type: single nucleotide variant.
Coding change: c.2017G>T on transcript NM_022356.4 (MANE Select); coding-DNA position 2017, G replaced by T.
Protein change: p.Ala673Ser; replaces alanine 673 with serine.
Molecular consequence: missense variant.
Genome position (GRCh38, 1-based): chr1:42,747,310, C>A on the plus strand (G>T on the coding strand, the complement: P3H1 is on the minus strand). VCF-style: chr1-42747310-C-A. GRCh37 (hg19) VCF-style: chr1-43212981-C-A.
Other names: c.2017G>T, p.Ala673Ser (NM_001146289.2, NM_001243246.2); short protein forms A673S.
Identifiers: ClinVar variation 2048979 (VCV002048979.3), dbSNP rs192750565, ClinGen allele CA801623.

ClinVar aggregate classification (germline): Uncertain significance. Review status: criteria provided, multiple submitters, no conflicts (2 of 4 stars). 2 submissions from 2 submitters: Uncertain significance (2). Last evaluated 2024-10-25.

Conditions:
Osteogenesis imperfecta type 8 (OI8). Identifiers: MedGen C1970458, MONDO:0012581, OMIM 610915.

Allele frequency attached by ClinVar (database versions not stated): 1000 Genomes Project 30x 0.00016; 1000 Genomes Project 0.00020.
gnomAD v4.1: 20 of 1,612,646 alleles (0.0012%); highest among the groups gnomAD compares: Admixed American, 0.01%; no homozygotes.

Submissions (2):

Labcorp Genetics (formerly Invitae), Labcorp
Classification: Uncertain significance for Osteogenesis imperfecta type 8. Last evaluated: 2024-10-25. Review status: criteria provided, single submitter. Criteria: Invitae Variant Classification Sherloc (09022015). Collection method: clinical testing. Allele origin: germline.
Comment: This sequence change replaces alanine, which is neutral and non-polar, with serine, which is neutral and polar, at codon 673 of the P3H1 protein (p.Ala673Ser). This variant is present in population databases (rs192750565, gnomAD 0.01%). This variant has not been reported in the literature in individuals affected with P3H1-related conditions. ClinVar contains an entry for this variant (Variation ID: 2048979). Invitae Evidence Modeling of protein sequence and biophysical properties (such as structural, functional, and spatial information, amino acid conservation, physicochemical variation, residue mobility, and thermodynamic stability) indicates that this missense variant is expected to disrupt P3H1 protein function with a positive predictive value of 80%. In summary, the available evidence is currently insufficient to determine the role of this variant in disease. Therefore, it has been classified as a Variant of Uncertain Significance.

GeneDx
Classification: Uncertain significance. Last evaluated: 2024-05-06. Review status: criteria provided, single submitter. Criteria: GeneDx Variant Classification Process June 2021. Collection method: clinical testing. Allele origin: germline. Affected: yes.
Comment: In silico analysis supports that this missense variant has a deleterious effect on protein structure/function; Has not been previously published as pathogenic or benign to our knowledge